The following is an entry in ClinVar:

NM_005956.4(MTHFD1):c.820G>A (p.Gly274Ser)

Gene: MTHFD1 (methylenetetrahydrofolate dehydrogenase, cyclohydrolase and formyltetrahydrofolate synthetase 1; plus strand). Cytogenetic location: 14q23.3.
Variant type: single nucleotide variant.
Coding change: c.820G>A on transcript NM_005956.4 (MANE Select); coding-DNA position 820, G replaced by A.
Protein change: p.Gly274Ser; replaces glycine 274 with serine.
Molecular consequence: missense variant.
Genome position (GRCh38, 1-based): chr14:64,424,896, G>A. VCF-style: chr14-64424896-G-A. GRCh37 (hg19) VCF-style: chr14-64891614-G-A.
Other names: c.820G>A, p.Gly274Ser (NM_001364837.1); short protein forms G274S.
Identifiers: ClinVar variation 1983874 (VCV001983874.4), dbSNP rs2550500766, ClinGen allele CA389983914.
Genomic context (GRCh38, chr14:64,424,896, plus strand): 5'-GGTGATGTGGCATACGACGAGGCCAAAGAGAGGGCGAGCTTCATCACTCCTGTTCCTGGC[G>A]GCGTAGGGCCCATGACAGTTGCAATGCTCATGCAGGTAATTGTGAATAAAAGTTTCTATA-3'
Protein context (NP_005947.3, residues 264-284): RASFITPVPG[Gly274Ser]VGPMTVAMLM

ClinVar aggregate classification (germline): Uncertain significance (1 of 4 stars; one submission).

Allele frequency attached by ClinVar (database versions not stated): gnomAD exomes below 0.00001.
gnomAD v4.1: 7 of 1,614,162 alleles (0.00043%); highest among the groups gnomAD compares: Non-Finnish European, 0.00051%; no homozygotes.

Submission:

Labcorp Genetics (formerly Invitae), Labcorp
Classification: Uncertain significance. Last evaluated: 2022-10-03. Review status: criteria provided, single submitter. Criteria: Invitae Variant Classification Sherloc (09022015). Collection method: clinical testing. Allele origin: germline.
Comment: In summary, the available evidence is currently insufficient to determine the role of this variant in disease. Therefore, it has been classified as a Variant of Uncertain Significance. Advanced modeling of protein sequence and biophysical properties (such as structural, functional, and spatial information, amino acid conservation, physicochemical variation, residue mobility, and thermodynamic stability) performed at Invitae indicates that this missense variant is not expected to disrupt MTHFD1 protein function. This variant has not been reported in the literature in individuals affected with MTHFD1-related conditions. This variant is not present in population databases (gnomAD no frequency). This sequence change replaces glycine, which is neutral and non-polar, with serine, which is neutral and polar, at codon 274 of the MTHFD1 protein (p.Gly274Ser).